The following is an entry in ClinVar:

ClinVar aggregate classification (germline): Uncertain significance (1 of 4 stars; one submission).

Conditions:
X-linked lymphoproliferative disease due to SH2D1A deficiency (XLP1). Also called: SH2D1A-Related Lymphoproliferative Disease, X-Linked; DUNCAN DISEASE; IMMUNODEFICIENCY 5; IMMUNODEFICIENCY, X-LINKED PROGRESSIVE COMBINED VARIABLE; INFECTIOUS MONONUCLEOSIS, SEVERE, SUSCEPTIBILITY TO; EBV infection severe susceptibility to. Identifiers: Orphanet 2442, Orphanet 538931, MedGen C5399825, MONDO:0024551, OMIM 308240.

Submission:

Labcorp Genetics (formerly Invitae), Labcorp
Classification: Uncertain significance for X-linked lymphoproliferative disease due to SH2D1A deficiency. Last evaluated: 2025-10-18. Review status: criteria provided, single submitter. Criteria: Invitae Variant Classification Sherloc (09022015). Collection method: clinical testing. Allele origin: germline.
Comment: This sequence change replaces proline, which is neutral and non-polar, with serine, which is neutral and polar, at codon 38 of the SH2D1A protein (p.Pro38Ser). This variant is present in population databases (no rsID available, gnomAD 0.01%), including at least one homozygous and/or hemizygous individual. This variant has not been reported in the literature in individuals affected with SH2D1A-related conditions. An algorithm developed to predict the effect of missense changes on protein structure and function (PolyPhen-2) suggests that this variant is likely to be disruptive. In summary, the available evidence is currently insufficient to determine the role of this variant in disease. Therefore, it has been classified as a Variant of Uncertain Significance.

NM_002351.5(SH2D1A):c.112C>T (p.Pro38Ser)

Gene: SH2D1A (SH2 domain containing 1A; plus strand). Cytogenetic location: Xq25.
Variant type: single nucleotide variant.
Coding change: c.112C>T on transcript NM_002351.5 (MANE Select); coding-DNA position 112, C replaced by T.
Protein change: p.Pro38Ser; replaces proline 38 with serine.
Molecular consequence: missense variant.
Genome position (GRCh38, 1-based): chrX:124,346,754, C>T. VCF-style: chrX-124346754-C-T. GRCh37 (hg19) VCF-style: chrX-123480604-C-T.
Other names: c.112C>T, p.Pro38Ser (NM_001114937.3); short protein forms P38S.
Identifiers: ClinVar variation 4809789 (VCV004809789.1).
Genomic context (GRCh38, chrX:124,346,754, plus strand): 5'-AAGCTCCTGCTTGCCACTGGGCTGGATGGCAGCTATTTGCTGAGGGACAGCGAGAGCGTG[C>T]CAGGCGTGTACTGCCTATGTGTGCTGTGAGTATGATACGGTGGACATGGGCCTGCTGAGG-3'
Protein context (NP_002342.1, residues 28-48): SYLLRDSESV[Pro38Ser]GVYCLCVLYH